The following is an entry in ClinVar:

ClinVar aggregate classification (germline): Conflicting classifications of pathogenicity. Review status: criteria provided, conflicting classifications (1 of 4 stars). 11 submissions from 11 submitters: Likely pathogenic (5); Uncertain significance (6). Last evaluated 2026-06-09.

Conditions:
BRIP1-related disorder. Also called: BRIP1-related condition; BRIP1-related disorders. Identifiers: MedGen CN239206.
Hereditary cancer-predisposing syndrome. Also called: Hereditary Cancer Syndrome; Tumor predisposition; Hereditary neoplastic syndrome; Neoplastic Syndromes, Hereditary. Identifiers: Orphanet 140162, MedGen C0027672, MeSH D009386, MONDO:0015356.
Familial cancer of breast. Also called: Hereditary breast cancer; hereditary breast carcinoma; BREAST CANCER, FAMILIAL. Identifiers: Orphanet 227535, MedGen C0346153, MONDO:0016419, OMIM 114480. Disease mechanism: loss of function.
Fanconi anemia complementation group J. Also called: BRIP1-Related Fanconi Anemia. Identifiers: Orphanet 84, MedGen C1836860, MONDO:0012187, OMIM 609054.
Hereditary breast ovarian cancer syndrome. Also called: Hereditary breast and/or ovarian cancer syndrome; Breast and ovarian cancer; BRCA1- and BRCA2-Associated Hereditary Breast and Ovarian Cancer; Hereditary breast and ovarian cancer syndrome (HBOC); Hereditary breast and ovarian cancer syndrome; Hereditary breast and ovarian cancer. Identifiers: Orphanet 145, MedGen C0677776, MeSH D061325, MONDO:0003582. Disease mechanism: loss of function.

Submissions (11):

German Consortium for Hereditary Breast and Ovarian Cancer, University Hospital Cologne
Classification: Uncertain significance for Hereditary breast ovarian cancer syndrome. Last evaluated: 2026-06-09. Review status: criteria provided, single submitter. Criteria: ACMG SVI. Collection method: curation. Allele origin: germline.
Comment: This classification follows the ACMG SVI adaptation classification scheme; We chose this criterion: PP3 (supporting pathogenic): Splice AI DL = 0.96

Women's Health and Genetics/Laboratory Corporation of America, LabCorp
Classification: Likely pathogenic for Fanconi anemia complementation group J. Last evaluated: 2026-04-13. Review status: criteria provided, single submitter. Criteria: LabCorp Variant Classification Summary - May 2015. Collection method: clinical testing. Allele origin: germline.
Comment: Variant summary: BRIP1 c.93+4_93+7delAGTA alters a conserved nucleotide located close to a canonical splice site and therefore could affect mRNA splicing, leading to a significantly altered protein sequence. Several computational tools predict a significant impact on normal splicing: Four predict the variant abolishes a 5' splicing donor site. Experimental evidence indicates that this variant affects mRNA splicing (internal data). The variant allele was found at a frequency of 8e-06 in 250976 control chromosomes. c.93+4_93+7delAGTA has been observed in individuals affected with breast cancer (Guindalini_2022) and prostate cancer (Manirakiza_2024). Together, these findings suggest the variant is likely associated with disease. The following publications have been ascertained in the context of this evaluation (PMID: 35264596, 39582020). ClinVar contains an entry for this variant (Variation ID: 439032). Based on the evidence outlined above, the variant was classified as likely pathogenic.

Ambry Genetics
Classification: Likely pathogenic for Hereditary cancer-predisposing syndrome. Last evaluated: 2025-12-02. Review status: criteria provided, single submitter. Criteria: Ambry Variant Classification Scheme 2023. Collection method: clinical testing. Allele origin: germline.
Comment: The c.93+4_93+7delAGTA intronic variant, begins 4 nucleotides after coding exon 1 in the BRIP1 gene. This variant results from a deletion of 4 nucleotides at positions c.93+4 to c.93+7. In silico splice site analysis predicts that this alteration will weaken the native splice donor site. RNA studies have demonstrated that this alteration results in abnormal splicing in the set of samples tested (Ambry internal data). Based on the majority of available evidence to date, this variant is likely to be pathogenic.

Labcorp Genetics (formerly Invitae), Labcorp
Classification: Likely pathogenic for Familial cancer of breast; Fanconi anemia complementation group J. Last evaluated: 2025-08-06. Review status: criteria provided, single submitter. Criteria: Invitae Variant Classification Sherloc (09022015). Collection method: clinical testing. Allele origin: germline.
Comment: This sequence change falls in intron 2 of the BRIP1 gene. It does not directly change the encoded amino acid sequence of the BRIP1 protein. RNA analysis indicates that this variant induces altered splicing and is likely to result in the loss of the initiator methionine. This variant is present in population databases (no rsID available, gnomAD 0.008%). This variant has not been reported in the literature in individuals affected with BRIP1-related conditions. ClinVar contains an entry for this variant (Variation ID: 439032). Variants that disrupt the consensus splice site are a relatively common cause of aberrant splicing (PMID: 17576681, 9536098). Studies have shown that this variant results in skipping of exon 2, and is expected to result in the loss of the initiator methionine (internal data). Other variant(s) that result in skipping of exon 2 have been determined to be pathogenic (internal data). This suggests that this variant may also be clinically significant and likely to be disease-causing. In summary, the currently available evidence indicates that the variant is pathogenic, but additional data are needed to prove that conclusively. Therefore, this variant has been classified as Likely Pathogenic.

Molecular Diagnostics Laboratory, Catalan Institute of Oncology
Classification: Uncertain significance for Hereditary cancer-predisposing syndrome. Last evaluated: 2025-03-06. Review status: criteria provided, single submitter. Criteria: ACMG Guidelines, 2015. Collection method: clinical testing. Allele origin: germline.
Comment: PM2_Supporting, PP3 BRIP1 c.93+4_93+7del is an intronic variant located close to the canonical donor splice site of exon 2 of the gene (the first codifying exon). This variant is found in 3/267892 alleles at a frequency of 0.0011% in the gnomAD v2.1.1 database, non-cancer dataset (PM2_supporting). The SpliceAI algorithm predicts that the variant impairs the splicing donor site of exon 2, probably causing the skipping in-frame of this exon but resulting in the loss of the translation start codon of the BRIP1 protein (PP3). The next methionine upstream is finding at codon 100 but futher analysis are requiered to delucidate the impact of the use this alternative start codon. To our knowledge, neither relevant clinical data nor well-stablished functional studies have been reported for this variant. In addition, it has only been reported in the ClinVar database (3x uncertain significance, 3x pathogenic). Based on the currently available information, c.93+4_93+7del is classified as an uncertain significance variant according to ACMG guidelines.

GeneDx
Classification: Likely pathogenic. Last evaluated: 2025-01-13. Review status: criteria provided, single submitter. Criteria: GeneDx Variant Classification Process June 2021. Collection method: clinical testing. Allele origin: germline. Affected: yes.
Comment: RNA studies demonstrate abnormal splicing (External communication with outside laboratories); Observed in individuals with breast or prostate cancer (PMID: 35264596, 39582020); Not observed at significant frequency in large population cohorts (gnomAD); This variant is associated with the following publications: (PMID: 35264596, 39582020)

PreventionGenetics, part of Exact Sciences
Classification: Uncertain significance for BRIP1-related condition. Last evaluated: 2024-10-23. Review status: criteria provided, single submitter. Criteria: ACMG Guidelines, 2015. Collection method: clinical testing. Allele origin: germline.
Comment: The BRIP1 c.93+4_93+7delAGTA variant is predicted to result in an intronic deletion. This variant is predicted to alter splicing based on available splicing prediction programs (SpliceAI, Jaganathan et al. 2019. PubMed ID: 30661751). However, such computer prediction programs are imperfect. This variant has been reported in an individual with breast cancer (Table S3, Guindalini et al. 2022. PubMed ID: 35264596). This variant is reported in 0.0080% of alleles in individuals of African descent in gnomAD and has interpretations of likely pathogenic and uncertain significance in ClinVar. At this time, the clinical significance of this variant is uncertain due to the absence of conclusive functional and genetic evidence.

Fulgent Genetics
Classification: Likely pathogenic for Familial cancer of breast; Fanconi anemia complementation group J. Last evaluated: 2024-02-21. Review status: criteria provided, single submitter. Criteria: ACMG Guidelines, 2015. Collection method: clinical testing. Allele origin: germline.

Institute of Human Genetics, University of Leipzig Medical Center
Classification: Uncertain significance for Familial cancer of breast. Last evaluated: 2019-12-16. Review status: criteria provided, single submitter. Criteria: ACMG Guidelines, 2015. Collection method: clinical testing. Allele origin: de novo. Affected: yes. Observed: 1 variant allele.

Mendelics
Classification: Uncertain significance for Fanconi anemia, complementation group J. Last evaluated: 2018-07-02. Review status: criteria provided, single submitter. Criteria: Mendelics Assertion Criteria 2017. Collection method: clinical testing. Allele origin: unknown.

Quest Diagnostics Nichols Institute San Juan Capistrano
Classification: Uncertain significance. Last evaluated: 2016-09-07. Review status: criteria provided, single submitter. Criteria: Quest Diagnostics criteria. Collection method: clinical testing. Allele origin: germline.

Literature cited by the submitters: PubMed 35264596 (cited by Women's Health and Genetics/Laboratory Corporation of America, LabCorp); PubMed 39582020 (cited by Women's Health and Genetics/Laboratory Corporation of America, LabCorp); PubMed 17576681 (cited by Labcorp Genetics (formerly Invitae), Labcorp); PubMed 9536098 (cited by Labcorp Genetics (formerly Invitae), Labcorp).

NM_032043.3(BRIP1):c.93+4_93+7del

Gene: BRIP1 (BRCA1 interacting DNA helicase 1; minus strand). Cytogenetic location: 17q23.2.
Variant type: Deletion.
Coding change: c.93+4_93+7del on transcript NM_032043.3 (MANE Select); bases 4 to 7 of the intron after coding-DNA position 93, 4 bases deleted (AGTA; older notation c.93+4_93+7delAGTA).
Molecular consequence: splice donor variant.
Genome position (GRCh38, 1-based): chr17:61,861,440-61,861,443, TACT deleted on the plus strand (AGTA on the coding strand, the reverse complement: BRIP1 is on the minus strand); deleting any 4 consecutive bases within chr17:61,861,440-61,861,446 gives the same sequence; the c. name uses the placement nearest the transcript's 3' end. VCF-style (leftmost placement, unchanged base first): chr17-61861439-ATACT-A. GRCh37 (hg19) VCF-style: chr17-59938800-ATACT-A.
Other names: c.93+4_93+7delAGTA (NM_032043.3, NM_032043.2).
Identifiers: ClinVar variation 439032 (VCV000439032.30), dbSNP rs1224034842, ClinGen allele CA626822069.